The following is an entry in ClinVar:

ClinVar aggregate classification (germline): Uncertain significance (1 of 4 stars; one submission).

Conditions:
Familial thoracic aortic aneurysm and aortic dissection (TAAD). Also called: Thoracic aortic aneurysms and dissections. Identifiers: Orphanet 91387, MedGen C4707243, MONDO:0019625.

gnomAD v4.1: 2 of 1,578,100 alleles (0.00013%); highest among the groups gnomAD compares: East Asian, 0.0024%; no homozygotes.

Submission:

Ambry Genetics
Classification: Uncertain significance for Familial thoracic aortic aneurysm and aortic dissection. Last evaluated: 2024-08-19. Review status: criteria provided, single submitter. Criteria: Ambry Variant Classification Scheme 2023. Collection method: clinical testing. Allele origin: germline.
Comment: The p.K556R variant (also known as c.1667A>G), located in coding exon 5 of the SKI gene, results from an A to G substitution at nucleotide position 1667. The lysine at codon 556 is replaced by arginine, an amino acid with highly similar properties. This amino acid position is conserved. In addition, the in silico prediction for this alteration is inconclusive. Based on the available evidence, the clinical significance of this variant remains unclear.

NM_003036.4(SKI):c.1667A>G (p.Lys556Arg)

Gene: SKI (SKI proto-oncogene; plus strand). Cytogenetic location: 1p36.32.
Variant type: single nucleotide variant.
Coding change: c.1667A>G on transcript NM_003036.4 (MANE Select); coding-DNA position 1667, A replaced by G.
Protein change: p.Lys556Arg; replaces lysine 556 with arginine.
Molecular consequence: missense variant.
Genome position (GRCh38, 1-based): chr1:2,304,485, A>G. VCF-style: chr1-2304485-A-G. GRCh37 (hg19) VCF-style: chr1-2235924-A-G.
Other names: short protein forms K556R.
Identifiers: ClinVar variation 3442290 (VCV003442290.1).